The following is an entry in ClinVar:

NM_000088.4(COL1A1):c.2539G>C (p.Ala847Pro)

Gene: COL1A1 (collagen type I alpha 1 chain; minus strand). Cytogenetic location: 17q21.33.
Variant type: single nucleotide variant.
Coding change: c.2539G>C on transcript NM_000088.4 (MANE Select); coding-DNA position 2539, G replaced by C.
Protein change: p.Ala847Pro; replaces alanine 847 with proline.
Molecular consequence: missense variant.
Genome position (GRCh38, 1-based): chr17:50,190,021, C>G on the plus strand (G>C on the coding strand, the complement: COL1A1 is on the minus strand). VCF-style: chr17-50190021-C-G. GRCh37 (hg19) VCF-style: chr17-48267382-C-G.
Other names: short protein forms A847P.
Identifiers: ClinVar variation 4707207 (VCV004707207.1).

ClinVar aggregate classification (germline): Uncertain significance (1 of 4 stars; one submission).

Conditions:
Osteogenesis imperfecta type I (OI1). Also called: OI, TYPE I; OSTEOGENESIS IMPERFECTA TARDA; OSTEOGENESIS IMPERFECTA WITH BLUE SCLERAE; Osteogenesis imperfecta type 1; Classic Non-deforming Osteogenesis Imperfecta with Blue Sclerae; Lobstein's Disease. Identifiers: Orphanet 216796, Orphanet 666, MedGen C0023931, MONDO:0008146, OMIM 166200. Disease mechanism: loss of function.

gnomAD v4.1: 4 of 1,613,064 alleles (0.00025%); highest among the groups gnomAD compares: Non-Finnish European, 0.00034%; no homozygotes.

Submission:

Labcorp Genetics (formerly Invitae), Labcorp
Classification: Uncertain significance for Osteogenesis imperfecta type I. Last evaluated: 2025-05-05. Review status: criteria provided, single submitter. Criteria: Invitae Variant Classification Sherloc (09022015). Collection method: clinical testing. Allele origin: germline.
Comment: This sequence change replaces alanine, which is neutral and non-polar, with proline, which is neutral and non-polar, at codon 847 of the COL1A1 protein (p.Ala847Pro). This variant is not present in population databases (gnomAD no frequency). This variant has not been reported in the literature in individuals affected with COL1A1-related conditions. Invitae Evidence Modeling of protein sequence and biophysical properties (such as structural, functional, and spatial information, amino acid conservation, physicochemical variation, residue mobility, and thermodynamic stability) indicates that this missense variant is not expected to disrupt COL1A1 protein function with a negative predictive value of 95%. In summary, the available evidence is currently insufficient to determine the role of this variant in disease. Therefore, it has been classified as a Variant of Uncertain Significance.